The following is an entry in ClinVar:

ClinVar aggregate classification (germline): Uncertain significance (1 of 4 stars; one submission).

Conditions:
MYH7B-related disorder. Also called: MYH7B-related condition.

gnomAD v4.1: 99 of 1,612,844 alleles (0.0061%); highest among the groups gnomAD compares: Middle Eastern, 0.05%; no homozygotes.

Submission:

PreventionGenetics, part of Exact Sciences
Classification: Uncertain significance for MYH7B-related condition. Last evaluated: 2026-02-16. Review status: criteria provided, single submitter. Criteria: ACMG Guidelines, 2015. Collection method: clinical testing. Allele origin: germline.
Comment: The MYH7B c.3202G>A variant is predicted to result in the amino acid substitution p.Ala1068Thr. To our knowledge, this variant has not been reported in the literature. This variant is reported in 0.0080% of alleles in individuals of European (Non-Finnish) descent in gnomAD. At this time, the clinical significance of this variant is uncertain due to the absence of conclusive functional and genetic evidence.

NM_020884.7(MYH7B):c.3076G>A (p.Ala1026Thr)

Gene: MYH7B (myosin heavy chain 7B; plus strand). Cytogenetic location: 20q11.22.
Variant type: single nucleotide variant.
Coding change: c.3076G>A on transcript NM_020884.7 (MANE Select); coding-DNA position 3076, G replaced by A.
Protein change: p.Ala1026Thr; replaces alanine 1026 with threonine.
Molecular consequence: missense variant.
Genome position (GRCh38, 1-based): chr20:34,996,478, G>A. VCF-style: chr20-34996478-G-A. GRCh37 (hg19) VCF-style: chr20-33584281-G-A.
Other names: short protein forms A1026T.
Identifiers: ClinVar variation 4980768 (VCV004980768.1).